The following is an entry in ClinVar:

ClinVar aggregate classification (germline): Uncertain significance (1 of 4 stars; one submission).

Submission:

Labcorp Genetics (formerly Invitae), Labcorp
Classification: Uncertain significance. Last evaluated: 2024-05-04. Review status: criteria provided, single submitter. Criteria: Invitae Variant Classification Sherloc (09022015). Collection method: clinical testing. Allele origin: germline.
Comment: This sequence change falls in intron 6 of the CRAT gene. It does not directly change the encoded amino acid sequence of the CRAT protein. It affects a nucleotide within the consensus splice site. This variant is present in population databases (rs757284579, gnomAD 0.009%). This variant has not been reported in the literature in individuals affected with CRAT-related conditions. ClinVar contains an entry for this variant (Variation ID: 1411245). Variants that disrupt the consensus splice site are a relatively common cause of aberrant splicing (PMID: 17576681, 9536098). Algorithms developed to predict the effect of sequence changes on RNA splicing suggest that this variant is not likely to affect RNA splicing. In summary, the available evidence is currently insufficient to determine the role of this variant in disease. Therefore, it has been classified as a Variant of Uncertain Significance.

Literature cited by the submitters: PubMed 17576681; PubMed 9536098.

NM_000755.5(CRAT):c.805+5_805+7del

Gene: CRAT (carnitine O-acetyltransferase; minus strand). Cytogenetic location: 9q34.11.
Variant type: Deletion.
Coding change: c.805+5_805+7del on transcript NM_000755.5 (MANE Select); bases 5 to 7 of the intron after coding-DNA position 805, 3 bases deleted (CTC; older notation c.805+5_805+7delCTC).
Molecular consequence: intron variant.
Genome position (GRCh38, 1-based): chr9:129,101,876-129,101,878, GAG deleted on the plus strand (CTC on the coding strand, the reverse complement: CRAT is on the minus strand); deleting any 3 consecutive bases within chr9:129,101,876-129,101,879 gives the same sequence; the c. name uses the placement nearest the transcript's 3' end. VCF-style (leftmost placement, unchanged base first): chr9-129101875-AGAG-A. GRCh37 (hg19) VCF-style: chr9-131864154-AGAG-A.
Other names: c.685+5_685+7del (NM_001346549.2); c.805+5_805+7del (NM_001346547.2); c.742+5_742+7del (NM_001346548.2, NM_001257363.3, NM_004003.4); c.808+5_808+7del (NM_001346546.2).
Identifiers: ClinVar variation 1411245 (VCV001411245.6), dbSNP rs757284579, ClinGen allele CA5275634.